The following is an entry in ClinVar:

NM_000384.3(APOB):c.7805T>G (p.Val2602Gly)

Gene: APOB (apolipoprotein B; minus strand). Cytogenetic location: 2p24.1.
Variant type: single nucleotide variant.
Coding change: c.7805T>G on transcript NM_000384.3 (MANE Select); coding-DNA position 7805, T replaced by G.
Protein change: p.Val2602Gly; replaces valine 2602 with glycine.
Molecular consequence: missense variant.
Genome position (GRCh38, 1-based): chr2:21,009,063, A>C on the plus strand (T>G on the coding strand, the complement: APOB is on the minus strand). VCF-style: chr2-21009063-A-C. GRCh37 (hg19) VCF-style: chr2-21231935-A-C.
Other names: short protein forms V2602G.
Identifiers: ClinVar variation 4082591 (VCV004082591.1).
Genomic context (GRCh38, chr2:21,009,063, plus strand): 5'-GTTAGGGGGACTATAAAATCAGGTGTCTGGAAGGTAGCTTTCTGAAGAGCCTGAAGACTG[A>C]CTTCAAAGGCAGGCATGGTCCCAAGGATGGTCTTGATTTCAGGAACAGTGAACCCTTGCT-3'
Protein context (NP_000375.3, residues 2592-2612): TILGTMPAFE[Val2602Gly]SLQALQKATF

ClinVar aggregate classification (germline): Uncertain significance (1 of 4 stars; one submission).

gnomAD v4.1: 26 of 1,614,114 alleles (0.0016%); highest among the groups gnomAD compares: Non-Finnish European, 0.002%; no homozygotes.

Submission:

GeneDx
Classification: Uncertain significance. Last evaluated: 2025-03-05. Review status: criteria provided, single submitter. Criteria: GeneDx Variant Classification Process June 2021. Collection method: clinical testing. Allele origin: germline. Affected: yes.
Comment: Not observed at significant frequency in large population cohorts (gnomAD); In silico analysis supports that this missense variant has a deleterious effect on protein structure/function; Has not been previously published as pathogenic or benign to our knowledge